The following is an entry in ClinVar:

NM_003722.5(TP63):c.818C>T (p.Ala273Val)

Gene: TP63 (tumor protein p63; plus strand). Cytogenetic location: 3q28.
Variant type: single nucleotide variant.
Coding change: c.818C>T on transcript NM_003722.5 (MANE Select); coding-DNA position 818, C replaced by T.
Protein change: p.Ala273Val; replaces alanine 273 with valine.
Molecular consequence: missense variant.
Genome position (GRCh38, 1-based): chr3:189,866,733, C>T. VCF-style: chr3-189866733-C-T. GRCh37 (hg19) VCF-style: chr3-189584522-C-T.
Other names: c.818C>T, p.Ala273Val (NM_001114978.2, NM_001114979.2, NM_001329144.2 and 1 more transcripts); c.536C>T, p.Ala179Val (NM_001114980.2, NM_001114981.2, NM_001114982.2 and 2 more transcripts); c.281C>T, p.Ala94Val (NM_001329146.2, NM_001329150.2); c.812C>T, p.Ala271Val (NM_001329964.2); short protein forms A271V, A273V, A94V, A179V.
Identifiers: ClinVar variation 2750671 (VCV002750671.2), dbSNP rs2474602378, ClinGen allele CA355754500.

ClinVar aggregate classification (germline): Uncertain significance (1 of 4 stars; one submission).

Conditions:
TP63-Related Spectrum Disorders.

Submission:

Labcorp Genetics (formerly Invitae), Labcorp
Classification: Uncertain significance. Last evaluated: 2023-08-19. Review status: criteria provided, single submitter. Criteria: Invitae Variant Classification Sherloc (09022015). Collection method: clinical testing. Allele origin: germline.
Comment: This variant is not present in population databases (gnomAD no frequency). This sequence change replaces alanine, which is neutral and non-polar, with valine, which is neutral and non-polar, at codon 273 of the TP63 protein (p.Ala273Val). In summary, the available evidence is currently insufficient to determine the role of this variant in disease. Therefore, it has been classified as a Variant of Uncertain Significance. Advanced modeling of protein sequence and biophysical properties (such as structural, functional, and spatial information, amino acid conservation, physicochemical variation, residue mobility, and thermodynamic stability) has been performed at Invitae for this missense variant, however the output from this modeling did not meet the statistical confidence thresholds required to predict the impact of this variant on TP63 protein function. This variant has not been reported in the literature in individuals affected with TP63-related conditions.